The following is an entry in ClinVar:

ClinVar aggregate classification (germline): Uncertain significance (1 of 4 stars; one submission).

Conditions:
SRCAP-related disorder. Also called: SRCAP-related condition.

gnomAD v4.1: 1 of 1,608,046 alleles (0.000062%); highest among the groups gnomAD compares: East Asian, 0.0022%; no homozygotes.

Submission:

PreventionGenetics, part of Exact Sciences
Classification: Uncertain significance for SRCAP-related condition. Last evaluated: 2025-01-06. Review status: criteria provided, single submitter. Criteria: ACMG Guidelines, 2015. Collection method: clinical testing. Allele origin: germline.
Comment: The SRCAP c.3237T>G variant is predicted to result in the amino acid substitution p.Ser1079Arg. To our knowledge, this variant has not been reported in the literature or in a large population database (gnomAD), indicating this variant is rare. At this time, the clinical significance of this variant is uncertain due to the absence of conclusive functional and genetic evidence.

NM_006662.3(SRCAP):c.3237T>G (p.Ser1079Arg)

Gene: SRCAP (Snf2 related CREBBP activator protein; plus strand). Cytogenetic location: 16p11.2.
Variant type: single nucleotide variant.
Coding change: c.3237T>G on transcript NM_006662.3 (MANE Select); coding-DNA position 3237, T replaced by G.
Protein change: p.Ser1079Arg; replaces serine 1079 with arginine.
Molecular consequence: missense variant.
Genome position (GRCh38, 1-based): chr16:30,720,962, T>G. VCF-style: chr16-30720962-T-G. GRCh37 (hg19) VCF-style: chr16-30732283-T-G.
Other names: short protein forms S1079R.
Identifiers: ClinVar variation 5002341 (VCV005002341.1).
Genomic context (GRCh38, chr16:30,720,962, plus strand): 5'-GCTTATTCCTGCATCTCGGCCTCCTGGCCCTGTCCTCTTGCCTCCACTGCAGCCCAACAG[T>G]GGTTCTCTCCCCCAGGGTGAGTTGAAAGGGAGCCAAGGATGATGCGTGGTGCTTCAGAAA-3'
Protein context (NP_006653.2, residues 1069-1089): PVLLPPLQPN[Ser1079Arg]GSLPQVLPSP